The following is an entry in ClinVar:

ClinVar aggregate classification (germline): Uncertain significance. Review status: criteria provided, multiple submitters, no conflicts (2 of 4 stars). 2 submissions from 2 submitters: Uncertain significance (2). Last evaluated 2024-10-16.

Conditions:
Mitochondrial complex IV deficiency, nuclear type 3. Also called: Mitochondrial complex 4 deficiency, nuclear type 3. Identifiers: MedGen C5436682, MONDO:0033635, OMIM 619046.

Allele frequency attached by ClinVar (database versions not stated): gnomAD 0.00001; gnomAD exomes 0.00001; ExAC 0.00002; 1000 Genomes Project 30x 0.00016; 1000 Genomes Project 0.00020.

Submissions (2):

Labcorp Genetics (formerly Invitae), Labcorp
Classification: Uncertain significance. Last evaluated: 2024-10-16. Review status: criteria provided, single submitter. Criteria: Invitae Variant Classification Sherloc (09022015). Collection method: clinical testing. Allele origin: germline.
Comment: This sequence change replaces cysteine, which is neutral and slightly polar, with tyrosine, which is neutral and polar, at codon 188 of the COX10 protein (p.Cys188Tyr). This variant is present in population databases (rs200827701, gnomAD 0.02%). This variant has not been reported in the literature in individuals affected with COX10-related conditions. ClinVar contains an entry for this variant (Variation ID: 2009799). Invitae Evidence Modeling of protein sequence and biophysical properties (such as structural, functional, and spatial information, amino acid conservation, physicochemical variation, residue mobility, and thermodynamic stability) indicates that this missense variant is not expected to disrupt COX10 protein function with a negative predictive value of 80%. In summary, the available evidence is currently insufficient to determine the role of this variant in disease. Therefore, it has been classified as a Variant of Uncertain Significance.

Fulgent Genetics
Classification: Uncertain significance for Mitochondrial complex IV deficiency, nuclear type 3. Last evaluated: 2024-02-04. Review status: criteria provided, single submitter. Criteria: ACMG Guidelines, 2015. Collection method: clinical testing. Allele origin: germline.

NM_001303.4(COX10):c.563G>A (p.Cys188Tyr)

Gene: COX10 (cytochrome c oxidase assembly factor heme A:farnesyltransferase COX10; plus strand). Cytogenetic location: 17p12.
Variant type: single nucleotide variant.
Coding change: c.563G>A on transcript NM_001303.4 (MANE Select); coding-DNA position 563, G replaced by A.
Protein change: p.Cys188Tyr; replaces cysteine 188 with tyrosine.
Molecular consequence: missense variant.
Genome position (GRCh38, 1-based): chr17:14,102,181, G>A. VCF-style: chr17-14102181-G-A. GRCh37 (hg19) VCF-style: chr17-14005498-G-A.
Other names: short protein forms C188Y.
Identifiers: ClinVar variation 2009799 (VCV002009799.5), dbSNP rs200827701, ClinGen allele CA8402363.